The following is an entry in ClinVar:

NM_000257.4(MYH7):c.4955A>C (p.Asp1652Ala)

Genes: MHRT (myosin heavy chain associated RNA transcript; plus strand), MYH7 (myosin heavy chain 7; minus strand), LOC126861897 (BRD4-independent group 4 enhancer GRCh37_chr14:23884455-23885654; plus strand). Cytogenetic location: 14q11.2.
Variant type: single nucleotide variant.
Coding change: c.4955A>C on transcript NM_000257.4 (MANE Select); coding-DNA position 4955, A replaced by C.
Protein change: p.Asp1652Ala; replaces aspartic acid 1652 with alanine.
Molecular consequence: missense variant.
Genome position (GRCh38, 1-based): chr14:23,415,831, T>G on the plus strand (A>C on the coding strand, the complement: MYH7 is on the minus strand). VCF-style: chr14-23415831-T-G. GRCh37 (hg19) VCF-style: chr14-23885040-T-G.
Other names: short protein forms D1652A.
Identifiers: ClinVar variation 1508961 (VCV001508961.6), dbSNP rs2138640913, ClinGen allele CA389037260.

ClinVar aggregate classification (germline): Uncertain significance (1 of 4 stars; one submission).

Conditions:
Hypertrophic cardiomyopathy. Also called: HYPERTROPHIC MYOCARDIOPATHY. Identifiers: Orphanet 217569, MedGen C0007194, MeSH D002312, MONDO:0005045, HP:0001639.

Submission:

Labcorp Genetics (formerly Invitae), Labcorp
Classification: Uncertain significance for Hypertrophic cardiomyopathy. Last evaluated: 2023-01-31. Review status: criteria provided, single submitter. Criteria: Invitae Variant Classification Sherloc (09022015). Collection method: clinical testing. Allele origin: germline.
Comment: This sequence change replaces aspartic acid, which is acidic and polar, with alanine, which is neutral and non-polar, at codon 1652 of the MYH7 protein (p.Asp1652Ala). This variant is not present in population databases (gnomAD no frequency). This variant has not been reported in the literature in individuals affected with MYH7-related conditions. ClinVar contains an entry for this variant (Variation ID: 1508961). Algorithms developed to predict the effect of missense changes on protein structure and function are either unavailable or do not agree on the potential impact of this missense change (SIFT: "Deleterious"; PolyPhen-2: "Benign"; Align-GVGD: "Class C0"). In summary, the available evidence is currently insufficient to determine the role of this variant in disease. Therefore, it has been classified as a Variant of Uncertain Significance.